The following is an entry in ClinVar:

NM_003002.4(SDHD):c.345T>C (p.Val115=)

Gene: SDHD (succinate dehydrogenase complex subunit D; plus strand). Cytogenetic location: 11q23.1.
Variant type: single nucleotide variant.
Coding change: c.345T>C on transcript NM_003002.4 (MANE Select); coding-DNA position 345, T replaced by C.
Protein change: p.Val115=; no amino-acid change (valine 115 retained).
Molecular consequence: synonymous variant. On other transcripts: missense variant (1), 3 prime UTR variant (1), non-coding transcript variant (1).
Genome position (GRCh38, 1-based): chr11:112,094,835, T>C. VCF-style: chr11-112094835-T-C. GRCh37 (hg19) VCF-style: chr11-111965559-T-C.
Other names: c.200T>C, p.Phe67Ser (NM_001276503.2); c.228T>C, p.Val76= (NM_001276504.2); c.*43T>C (NM_001276506.2); c.345T>C (NM_003002.2); short protein forms F67S.
Identifiers: ClinVar variation 3904595 (VCV003904595.3).

ClinVar aggregate classification (germline): Benign/Likely benign. Review status: criteria provided, multiple submitters, no conflicts (2 of 4 stars). 3 submissions from 3 submitters: Benign (1); Likely benign (2). Last evaluated 2026-06-25.

Conditions:
Pheochromocytoma/paraganglioma syndrome 1. Also called: PARAGANGLIOMATA; Paragangliomas 1; Glomus tumors familial 1; Paraganglioma - glomus jugulare; SDHD-Related Hereditary Paraganglioma-Pheochromocytoma Syndrome; PARAGANGLIOMAS, FAMILIAL NONCHROMAFFIN, 1. Identifiers: Orphanet 29072, MedGen C3494181, MONDO:0008192, OMIM 168000.
Hereditary cancer-predisposing syndrome. Also called: Hereditary Cancer Syndrome; Hereditary neoplastic syndrome; Neoplastic Syndromes, Hereditary; Tumor predisposition. Identifiers: Orphanet 140162, MedGen C0027672, MeSH D009386, MONDO:0015356.
Paragangliomas with sensorineural hearing loss. Identifiers: MedGen C1868633.
Cowden syndrome 3 (CWS3). Identifiers: Orphanet 201, MedGen CN166604, MONDO:0014045.
Carney-Stratakis syndrome. Also called: PARAGANGLIOMA AND GASTROINTESTINAL STROMAL TUMOR. Identifiers: Orphanet 97286, MedGen C1847319, MONDO:0011740, OMIM 606864.
Pheochromocytoma. Also called: MAX-Related Hereditary Paraganglioma-Pheochromocytoma Syndrome. Identifiers: Orphanet 29072, MedGen C0031511, MONDO:0008233, OMIM 171300, HP:0002666.

gnomAD v4.1: 1 of 1,612,082 alleles (0.000062%); highest among the groups gnomAD compares: Non-Finnish European, 0.000085%; no homozygotes.

Submissions (3):

Ambry Genetics
Classification: Likely benign for Hereditary cancer-predisposing syndrome. Last evaluated: 2026-06-25. Review status: criteria provided, single submitter. Criteria: Ambry Variant Classification Scheme 2023. Collection method: clinical testing. Allele origin: germline.

Labcorp Genetics (formerly Invitae), Labcorp
Classification: Likely benign for Carney-Stratakis syndrome; Paragangliomas with sensorineural hearing loss; Pheochromocytoma; Cowden syndrome 3. Last evaluated: 2025-12-22. Review status: criteria provided, single submitter. Criteria: Invitae Variant Classification Sherloc (09022015). Collection method: clinical testing. Allele origin: germline.

Myriad Genetics, Inc.
Classification: Benign for Pheochromocytoma/paraganglioma syndrome 1. Last evaluated: 2025-03-18. Review status: criteria provided, single submitter. Criteria: Myriad Autosomal Dominant, Autosomal Recessive and X-Linked Classification Criteria (2023). Collection method: clinical testing. Allele origin: unknown.
Comment: This variant is considered benign. This variant is a silent/synonymous amino acid change and it is not expected to impact splicing.